The following is an entry in ClinVar:

ClinVar aggregate classification (germline): Uncertain significance. Review status: criteria provided, multiple submitters, no conflicts (2 of 4 stars). 3 submissions from 3 submitters: Uncertain significance (3). Last evaluated 2026-01-10.

Conditions:
Hereditary cancer-predisposing syndrome. Also called: Neoplastic Syndromes, Hereditary; Tumor predisposition; Hereditary Cancer Syndrome; Hereditary neoplastic syndrome. Identifiers: Orphanet 140162, MedGen C0027672, MeSH D009386, MONDO:0015356.
Neuroblastoma, susceptibility to, 3. Also called: ALK-Related Neuroblastic Tumor Susceptibility. Identifiers: Orphanet 635, MedGen C2751681, MONDO:0013083, OMIM 613014.

Allele frequency attached by ClinVar (database versions not stated): TOPMed below 0.00001; gnomAD exomes 0.00001 and 0.00004; ExAC 0.00002.
gnomAD v4.1: 57 of 1,613,884 alleles (0.0035%); highest among the groups gnomAD compares: Non-Finnish European, 0.0047%; no homozygotes.

Submissions (3):

Labcorp Genetics (formerly Invitae), Labcorp
Classification: Uncertain significance for Neuroblastoma, susceptibility to, 3. Last evaluated: 2026-01-10. Review status: criteria provided, single submitter. Criteria: Invitae Variant Classification Sherloc (09022015). Collection method: clinical testing. Allele origin: germline.
Comment: This sequence change replaces threonine, which is neutral and polar, with asparagine, which is neutral and polar, at codon 967 of the ALK protein (p.Thr967Asn). This variant is present in population databases (rs780284256, gnomAD 0.002%). This variant has not been reported in the literature in individuals affected with ALK-related conditions. ClinVar contains an entry for this variant (Variation ID: 538224). An algorithm developed to predict the effect of missense changes on protein structure and function (PolyPhen-2) suggests that this variant is likely to be disruptive. In summary, the available evidence is currently insufficient to determine the role of this variant in disease. Therefore, it has been classified as a Variant of Uncertain Significance.

Ambry Genetics
Classification: Uncertain significance for Hereditary cancer-predisposing syndrome. Last evaluated: 2024-08-28. Review status: criteria provided, single submitter. Criteria: Ambry Variant Classification Scheme 2023. Collection method: clinical testing. Allele origin: germline.

GeneDx
Classification: Uncertain significance. Last evaluated: 2023-07-26. Review status: criteria provided, single submitter. Criteria: GeneDx Variant Classification Process June 2021. Collection method: clinical testing. Allele origin: germline. Affected: yes.
Comment: Not observed at significant frequency in large population cohorts (gnomAD); In silico analysis supports that this missense variant does not alter protein structure/function; Has not been previously published as pathogenic or benign to our knowledge

NM_004304.5(ALK):c.2900C>A (p.Thr967Asn)

Gene: ALK (ALK receptor tyrosine kinase; minus strand). Cytogenetic location: 2p23.2.
Variant type: single nucleotide variant.
Coding change: c.2900C>A on transcript NM_004304.5 (MANE Select); coding-DNA position 2900, C replaced by A.
Protein change: p.Thr967Asn; replaces threonine 967 with asparagine.
Molecular consequence: missense variant.
Genome position (GRCh38, 1-based): chr2:29,227,588, G>T on the plus strand (C>A on the coding strand, the complement: ALK is on the minus strand). VCF-style: chr2-29227588-G-T. GRCh37 (hg19) VCF-style: chr2-29450454-G-T.
Other names: short protein forms T967N.
Identifiers: ClinVar variation 538224 (VCV000538224.14), dbSNP rs780284256, ClinGen allele CA1594151.